The following is an entry in ClinVar:

NM_000257.4(MYH7):c.3680A>G (p.Glu1227Gly)

Gene: MYH7 (myosin heavy chain 7; minus strand). Cytogenetic location: 14q11.2.
Variant type: single nucleotide variant.
Coding change: c.3680A>G on transcript NM_000257.4 (MANE Select); coding-DNA position 3680, A replaced by G.
Protein change: p.Glu1227Gly; replaces glutamic acid 1227 with glycine.
Molecular consequence: missense variant.
Genome position (GRCh38, 1-based): chr14:23,419,891, T>C on the plus strand (A>G on the coding strand, the complement: MYH7 is on the minus strand). VCF-style: chr14-23419891-T-C. GRCh37 (hg19) VCF-style: chr14-23889100-T-C.
Other names: c.3680A>G, p.Glu1227Gly (NM_001407004.1); short protein forms E1227G.
Identifiers: ClinVar variation 2757337 (VCV002757337.3), dbSNP rs2502263738, ClinGen allele CA389043060.

ClinVar aggregate classification (germline): Uncertain significance (1 of 4 stars; one submission).

Conditions:
Hypertrophic cardiomyopathy. Also called: HYPERTROPHIC MYOCARDIOPATHY. Identifiers: Orphanet 217569, MedGen C0007194, MeSH D002312, MONDO:0005045, HP:0001639.

Submission:

Labcorp Genetics (formerly Invitae), Labcorp
Classification: Uncertain significance for Hypertrophic cardiomyopathy. Last evaluated: 2023-06-02. Review status: criteria provided, single submitter. Criteria: Invitae Variant Classification Sherloc (09022015). Collection method: clinical testing. Allele origin: germline.
Comment: This variant has not been reported in the literature in individuals affected with MYH7-related conditions. This variant is not present in population databases (gnomAD no frequency). This sequence change replaces glutamic acid, which is acidic and polar, with glycine, which is neutral and non-polar, at codon 1227 of the MYH7 protein (p.Glu1227Gly). Advanced modeling of protein sequence and biophysical properties (such as structural, functional, and spatial information, amino acid conservation, physicochemical variation, residue mobility, and thermodynamic stability) performed at Invitae indicates that this missense variant is expected to disrupt MYH7 protein function. In summary, the available evidence is currently insufficient to determine the role of this variant in disease. Therefore, it has been classified as a Variant of Uncertain Significance.